The following is an entry in ClinVar:

ClinVar aggregate classification (germline): Uncertain significance. Review status: criteria provided, multiple submitters, no conflicts (2 of 4 stars). 2 submissions from 2 submitters: Uncertain significance (2). Last evaluated 2025-11-02.

Conditions:
Primary dilated cardiomyopathy (DCM). Also called: Dilated Cardiomyopathy. Identifiers: Orphanet 217604, MedGen C0007193, MeSH D002311, MONDO:0005021, HP:0001644. Inheritance: Various modes of inheritance.

Allele frequency attached by ClinVar (database versions not stated): ExAC 0.00001; gnomAD 0.00001; gnomAD exomes 0.00001.
gnomAD v4.1: 14 of 1,602,042 alleles (0.00087%); highest among the groups gnomAD compares: Non-Finnish European, 0.0012%; no homozygotes.

Submissions (2):

Ambry Genetics
Classification: Uncertain significance. Last evaluated: 2025-11-02. Review status: criteria provided, single submitter. Criteria: Ambry Variant Classification Scheme 2023. Collection method: clinical testing. Allele origin: germline.

Labcorp Genetics (formerly Invitae), Labcorp
Classification: Uncertain significance for Primary dilated cardiomyopathy. Last evaluated: 2025-02-27. Review status: criteria provided, single submitter. Criteria: Invitae Variant Classification Sherloc (09022015). Collection method: clinical testing. Allele origin: germline.
Comment: This sequence change replaces lysine, which is basic and polar, with asparagine, which is neutral and polar, at codon 487 of the NEBL protein (p.Lys487Asn). This variant is present in population databases (rs764678922, gnomAD 0.002%). This variant has not been reported in the literature in individuals affected with NEBL-related conditions. ClinVar contains an entry for this variant (Variation ID: 2563743). An algorithm developed to predict the effect of missense changes on protein structure and function (PolyPhen-2) suggests that this variant is likely to be disruptive. In summary, the available evidence is currently insufficient to determine the role of this variant in disease. Therefore, it has been classified as a Variant of Uncertain Significance.

NM_006393.3(NEBL):c.1461A>C (p.Lys487Asn)

Gene: NEBL (nebulette; minus strand). Cytogenetic location: 10p12.31.
Variant type: single nucleotide variant.
Coding change: c.1461A>C on transcript NM_006393.3 (MANE Select); coding-DNA position 1461, A replaced by C.
Protein change: p.Lys487Asn; replaces lysine 487 with asparagine.
Molecular consequence: missense variant. On other transcripts: intron variant (9).
Genome position (GRCh38, 1-based): chr10:20,831,572, T>G on the plus strand (A>C on the coding strand, the complement: NEBL is on the minus strand). VCF-style: chr10-20831572-T-G. GRCh37 (hg19) VCF-style: chr10-21120501-T-G.
Other names: c.250-18632A>C (NM_001377326.1, NM_001377327.1, NM_001377328.1); c.358-18632A>C (NM_213569.2, NM_001173484.2, NM_001377322.1); c.301-18632A>C (NM_001377324.1); c.292-18632A>C (NM_001377325.1); c.310-18632A>C (NM_001377323.1); short protein forms K487N.
Identifiers: ClinVar variation 2563743 (VCV002563743.4), dbSNP rs764678922, ClinGen allele CA5432851.